The following is an entry in ClinVar:

NM_000051.4(ATM):c.2092T>C (p.Ser698Pro)

Gene: ATM (ATM serine/threonine kinase; plus strand). Cytogenetic location: 11q22.3.
Variant type: single nucleotide variant.
Coding change: c.2092T>C on transcript NM_000051.4 (MANE Select); coding-DNA position 2092, T replaced by C.
Protein change: p.Ser698Pro; replaces serine 698 with proline.
Molecular consequence: missense variant.
Genome position (GRCh38, 1-based): chr11:108,254,007, T>C. VCF-style: chr11-108254007-T-C. GRCh37 (hg19) VCF-style: chr11-108124734-T-C.
Other names: c.2092T>C, p.Ser698Pro (NM_001351834.2); short protein forms S698P.
Identifiers: ClinVar variation 5031188 (VCV005031188.1).

ClinVar aggregate classification (germline): Uncertain significance (1 of 4 stars; one submission).

Conditions:
Hereditary cancer-predisposing syndrome. Also called: Neoplastic Syndromes, Hereditary; Tumor predisposition; Hereditary neoplastic syndrome; Hereditary Cancer Syndrome. Identifiers: Orphanet 140162, MedGen C0027672, MeSH D009386, MONDO:0015356.

Submission:

Ambry Genetics
Classification: Uncertain significance for Hereditary cancer-predisposing syndrome. Last evaluated: 2026-09-14. Review status: criteria provided, single submitter. Criteria: Ambry Variant Classification Scheme 2023. Collection method: clinical testing. Allele origin: germline.
Comment: The p.S698P variant (also known as c.2092T>C), located in coding exon 12 of the ATM gene, results from a T to C substitution at nucleotide position 2092. The serine at codon 698 is replaced by proline, an amino acid with similar properties. In an assay testing ATM function, this variant showed a functionally normal result (Lee KS et al. Cell, 2025 Sep;188:5081-5099.e27). This amino acid position is well conserved in available vertebrate species. In addition, the in silico prediction for this alteration is inconclusive. Based on the available evidence, the clinical significance of this variant remains unclear.

Literature cited by the submitters: PubMed 40580951.